The following is an entry in ClinVar:

NM_031407.7(HUWE1):c.2467G>T (p.Ala823Ser)

Gene: HUWE1 (HECT, UBA and WWE domain containing E3 ubiquitin protein ligase 1; minus strand). Cytogenetic location: Xp11.22.
Variant type: single nucleotide variant.
Coding change: c.2467G>T on transcript NM_031407.7 (MANE Select); coding-DNA position 2467, G replaced by T.
Protein change: p.Ala823Ser; replaces alanine 823 with serine.
Molecular consequence: missense variant.
Genome position (GRCh38, 1-based): chrX:53,607,552, C>A on the plus strand (G>T on the coding strand, the complement: HUWE1 is on the minus strand). VCF-style: chrX-53607552-C-A. GRCh37 (hg19) VCF-style: chrX-53634513-C-A.
Other names: NC_000023.10:g.53634513C>A; short protein forms A823S.
Identifiers: ClinVar variation 2501893 (VCV002501893.2), dbSNP rs2527043324, ClinGen allele CA413181696.

ClinVar aggregate classification (germline): Uncertain significance (1 of 4 stars; one submission).

Submissions (2):

GeneDx
Classification: Uncertain significance. Last evaluated: 2022-10-20. Review status: criteria provided, single submitter. Criteria: GeneDx Variant Classification Process June 2021. Collection method: clinical testing. Allele origin: germline. Affected: yes.
Comment: Not observed at significant frequency in large population cohorts (gnomAD); In silico analysis supports that this missense variant does not alter protein structure/function; Has not been previously published as pathogenic or benign to our knowledge

Dr. Peter K. Rogan Lab, Western University
No classification provided (evidence only). Condition: Thyroid cancer, nonmedullary, 1. Review status: no classification provided. Collection method: in vitro. Allele origin: not applicable. Functional consequence: retained intron. Not counted in ClinVar's aggregate classification.